The following is an entry in ClinVar:

GRCh38/hg38 17p12(chr17:14184601-15581021)x1

Genes: CDRT15 (CMT1A duplicated region transcript 15; minus strand), CDRT3 (CMT1A duplicated region transcript 3; minus strand), CDRT4 (CMT1A duplicated region transcript 4; minus strand), CDRT7 (CMT1A duplicated region transcript 7; plus strand), CDRT8 (CMT1A duplicated region transcript 8; minus strand) and 24 more. Cytogenetic location: 17p12.
Variant type: copy number loss.
Change: copy number 1 (one copy instead of two) of chr17:14,184,601-15,581,021 (1.40 Mb, GRCh38 coordinates, 1-based), cytogenetic band 17p12.
Identifiers: ClinVar variation 4796265 (VCV004796265.1).

ClinVar aggregate classification (germline): Pathogenic (1 of 4 stars; one submission).

Submission:

Medical Genetic Center, Changzhi Maternal and Child Health Care Hospital
Classification: Pathogenic. Last evaluated: 2025-12-10. Review status: criteria provided, single submitter. Criteria: ACMG/ClinGen CNV Guidelines, 2019. Collection method: clinical testing. Allele origin: unknown.
Comment: 2A:17p12 recurrent (HNPP/CMT1A) region (includes PMP22)